The following is an entry in ClinVar:

ClinVar aggregate classification (germline): Conflicting classifications of pathogenicity. Review status: criteria provided, conflicting classifications (1 of 4 stars). 2 submissions from 2 submitters: Uncertain significance (1); Likely benign (1). Last evaluated 2026-03-06.

Conditions:
EIF2AK1-related disorder. Also called: EIF2AK1-related condition.

gnomAD v4.1: 85 of 1,614,120 alleles (0.0053%); highest among the groups gnomAD compares: Non-Finnish European, 0.0071%; no homozygotes.

Submissions (2):

PreventionGenetics, part of Exact Sciences
Classification: Likely benign for EIF2AK1-related condition. Last evaluated: 2026-03-06. Review status: criteria provided, single submitter. Criteria: ACMG Guidelines, 2015. Collection method: clinical testing. Allele origin: germline.
Comment: This variant is classified as likely benign based on ACMG/AMP sequence variant interpretation guidelines (Richards et al. 2015 PMID: 25741868, with internal and published modifications).

Ambry Genetics
Classification: Uncertain significance. Last evaluated: 2025-10-01. Review status: criteria provided, single submitter. Criteria: Ambry Variant Classification Scheme 2023. Collection method: clinical testing. Allele origin: germline.

NM_014413.4(EIF2AK1):c.1478C>T (p.Thr493Ile)

Gene: EIF2AK1 (eukaryotic translation initiation factor 2 alpha kinase 1; minus strand). Cytogenetic location: 7p22.1.
Variant type: single nucleotide variant.
Coding change: c.1478C>T on transcript NM_014413.4 (MANE Select); coding-DNA position 1478, C replaced by T.
Protein change: p.Thr493Ile; replaces threonine 493 with isoleucine.
Molecular consequence: missense variant.
Genome position (GRCh38, 1-based): chr7:6,028,667, G>A on the plus strand (C>T on the coding strand, the complement: EIF2AK1 is on the minus strand). VCF-style: chr7-6028667-G-A. GRCh37 (hg19) VCF-style: chr7-6068298-G-A.
Other names: c.1475C>T, p.Thr492Ile (NM_001134335.2); short protein forms T493I, T492I.
Identifiers: ClinVar variation 4663581 (VCV004663581.2).